The following is an entry in ClinVar:

NM_000168.6(GLI3):c.2965C>T (p.Arg989Trp)

Gene: GLI3 (GLI family zinc finger 3; minus strand). Cytogenetic location: 7p14.1.
Variant type: single nucleotide variant.
Coding change: c.2965C>T on transcript NM_000168.6 (MANE Select); coding-DNA position 2965, C replaced by T.
Protein change: p.Arg989Trp; replaces arginine 989 with tryptophan.
Molecular consequence: missense variant.
Genome position (GRCh38, 1-based): chr7:41,966,108, G>A on the plus strand (C>T on the coding strand, the complement: GLI3 is on the minus strand). VCF-style: chr7-41966108-G-A. GRCh37 (hg19) VCF-style: chr7-42005706-G-A.
Other names: c.2965C>T (NM_000168.5); short protein forms R989W.
Identifiers: ClinVar variation 2927780 (VCV002927780.4), dbSNP rs1313713644, ClinGen allele CA367319698.
Genomic context (GRCh38, chr7:41,966,108, plus strand): 5'-CCGGGTCGCTGGCCCTCCTCACGCCGTGGCCCGGCGCATCGTGCGGCTGCAGGTGGCGCC[G>A]CCCGTAGCCGTGGGCTCCCCCGTCGCTGCACCTCCTCGGGGCATGAACTGGAGGCAGGGC-3'
Protein context (NP_000159.3, residues 979-999): CSDGGAHGYG[Arg989Trp]RHLQPHDAPG

ClinVar aggregate classification (germline): Uncertain significance. Review status: criteria provided, multiple submitters, no conflicts (2 of 4 stars). 2 submissions from 2 submitters: Uncertain significance (2). Last evaluated 2025-06-24.

Conditions:
Inborn genetic diseases. Identifiers: MedGen C0950123, MeSH D030342.
Pallister-Hall syndrome (PHS). Also called: GLI3-Related Pallister-Hall Syndrome; HYPOTHALAMIC HAMARTOBLASTOMA, HYPOPITUITARISM, IMPERFORATE ANUS, AND POSTAXIAL POLYDACTYLY. Identifiers: Orphanet 672, MedGen C0265220, MONDO:0007804, OMIM 146510.
Greig cephalopolysyndactyly syndrome (GCPS). Also called: GLI3-Related Greig Cephalopolysyndactyly Syndrome; POLYSYNDACTYLY WITH PECULIAR SKULL SHAPE; Greig syndrome. Identifiers: Orphanet 380, MedGen C0265306, MONDO:0008287, OMIM 175700.

Allele frequency attached by ClinVar (database versions not stated): gnomAD 0.00001; TOPMed 0.00001.
gnomAD v4.1: 15 of 1,573,652 alleles (0.00095%); highest among the groups gnomAD compares: Middle Eastern, 0.018%; no homozygotes.

Submissions (2):

Ambry Genetics
Classification: Uncertain significance for Inborn genetic diseases. Last evaluated: 2025-06-24. Review status: criteria provided, single submitter. Criteria: Ambry Variant Classification Scheme 2023. Collection method: clinical testing. Allele origin: germline.

Labcorp Genetics (formerly Invitae), Labcorp
Classification: Uncertain significance for Pallister-Hall syndrome; Greig cephalopolysyndactyly syndrome. Last evaluated: 2024-02-18. Review status: criteria provided, single submitter. Criteria: Invitae Variant Classification Sherloc (09022015). Collection method: clinical testing. Allele origin: germline.
Comment: This sequence change replaces arginine, which is basic and polar, with tryptophan, which is neutral and slightly polar, at codon 989 of the GLI3 protein (p.Arg989Trp). This variant is not present in population databases (gnomAD no frequency). This variant has not been reported in the literature in individuals affected with GLI3-related conditions. Advanced modeling of protein sequence and biophysical properties (such as structural, functional, and spatial information, amino acid conservation, physicochemical variation, residue mobility, and thermodynamic stability) performed at Invitae indicates that this missense variant is expected to disrupt GLI3 protein function with a positive predictive value of 80%. In summary, the available evidence is currently insufficient to determine the role of this variant in disease. Therefore, it has been classified as a Variant of Uncertain Significance.